The following is an entry in ClinVar:

ClinVar aggregate classification (germline): Uncertain significance (1 of 4 stars; one submission).

Conditions:
Combined oxidative phosphorylation defect type 17. Also called: Combined oxidative phosphorylation deficiency 17. Identifiers: Orphanet 369913, MedGen C3809526, MONDO:0014190, OMIM 615440.

Allele frequency attached by ClinVar (database versions not stated): TOPMed below 0.00001.

Submission:

Labcorp Genetics (formerly Invitae), Labcorp
Classification: Uncertain significance for Combined oxidative phosphorylation defect type 17. Last evaluated: 2021-06-09. Review status: criteria provided, single submitter. Criteria: Invitae Variant Classification Sherloc (09022015). Collection method: clinical testing. Allele origin: germline.
Comment: In summary, the available evidence is currently insufficient to determine the role of this variant in disease. Therefore, it has been classified as a Variant of Uncertain Significance. Algorithms developed to predict the effect of missense changes on protein structure and function output the following: SIFT: "Tolerated"; PolyPhen-2: "Benign"; Align-GVGD: "Class C0". The lysine amino acid residue is found in multiple mammalian species, suggesting that this missense change does not adversely affect protein function. These predictions have not been confirmed by published functional studies and their clinical significance is uncertain. This variant has not been reported in the literature in individuals with ELAC2-related conditions. This variant is not present in population databases (ExAC no frequency). This sequence change replaces arginine with lysine at codon 251 of the ELAC2 protein (p.Arg251Lys). The arginine residue is weakly conserved and there is a small physicochemical difference between arginine and lysine.

NM_018127.7(ELAC2):c.752G>A (p.Arg251Lys)

Gene: ELAC2 (elaC ribonuclease Z 2; minus strand). Cytogenetic location: 17p12.
Variant type: single nucleotide variant.
Coding change: c.752G>A on transcript NM_018127.7 (MANE Select); coding-DNA position 752, G replaced by A.
Protein change: p.Arg251Lys; replaces arginine 251 with lysine.
Molecular consequence: missense variant.
Genome position (GRCh38, 1-based): chr17:13,005,966, C>T on the plus strand (G>A on the coding strand, the complement: ELAC2 is on the minus strand). VCF-style: chr17-13005966-C-T. GRCh37 (hg19) VCF-style: chr17-12909283-C-T.
Other names: c.632G>A, p.Arg211Lys (NM_001165962.2); c.752G>A, p.Arg251Lys (NM_173717.2); short protein forms R211K, R251K.
Identifiers: ClinVar variation 1510859 (VCV001510859.8), dbSNP rs2041085908, ClinGen allele CA398227618.